The following is an entry in ClinVar:

NM_004046.6(ATP5F1A):c.492T>A (p.Ile164=)

Gene: ATP5F1A (ATP synthase F1 subunit alpha; minus strand). Cytogenetic location: 18q21.1.
Variant type: single nucleotide variant.
Coding change: c.492T>A on transcript NM_004046.6 (MANE Select); coding-DNA position 492, T replaced by A.
Protein change: p.Ile164=; no amino-acid change (isoleucine 164 retained).
Molecular consequence: synonymous variant.
Genome position (GRCh38, 1-based): chr18:46,089,724, A>T on the plus strand (T>A on the coding strand, the complement: ATP5F1A is on the minus strand). VCF-style: chr18-46089724-A-T. GRCh37 (hg19) VCF-style: chr18-43669690-A-T.
Other names: c.342T>A, p.Ile114= (NM_001001935.3, NM_001257335.2); c.492T>A, p.Ile164= (NM_001001937.2); c.426T>A, p.Ile142= (NM_001257334.2).
Identifiers: ClinVar variation 3385050 (VCV003385050.1).

ClinVar aggregate classification (germline): Likely benign (1 of 4 stars; one submission).

Submission:

Women's Health and Genetics/Laboratory Corporation of America, LabCorp
Classification: Likely benign. Last evaluated: 2024-10-28. Review status: criteria provided, single submitter. Criteria: LabCorp Variant Classification Summary - May 2015. Collection method: clinical testing. Allele origin: germline.
Comment: Variant summary: ATP5F1A c.492T>A alters a conserved nucleotide resulting in a synonymous change. Consensus agreement among computation tools predict no significant impact on normal splicing. However, these predictions have yet to be confirmed by functional studies. The variant was absent in 250126 control chromosomes. The available data on variant occurrences in the general population are insufficient to allow any conclusion about variant significance. To our knowledge, no occurrence of c.492T>A in individuals affected with ATP5F1A-Related Disorders and no experimental evidence demonstrating its impact on protein function have been reported. No submitters have cited clinical-significance assessments for this variant to ClinVar. Based on the evidence outlined above, the variant was classified as likely benign.